The following is an entry in ClinVar:

ClinVar aggregate classification (germline): Uncertain significance (1 of 4 stars; one submission).

gnomAD v4.1: 4 of 1,612,790 alleles (0.00025%); highest among the groups gnomAD compares: Non-Finnish European, 0.00017%; no homozygotes.

Submission:

Ambry Genetics
Classification: Uncertain significance. Last evaluated: 2026-08-08. Review status: criteria provided, single submitter. Criteria: Ambry Variant Classification Scheme 2023. Collection method: clinical testing. Allele origin: germline.
Comment: The p.G1198R variant (also known as c.3592G>A), located in coding exon 15 of the WNK2 gene, results from a G to A substitution at nucleotide position 3592. The glycine at codon 1198 is replaced by arginine, an amino acid with dissimilar properties. This amino acid position is conserved. In addition, this alteration is predicted to be deleterious by in silico analysis. Based on the available evidence, the clinical significance of this variant remains unclear.

NM_006648.4(WNK2):c.3592G>A (p.Gly1198Arg)

Gene: WNK2 (WNK lysine deficient protein kinase 2; plus strand). Cytogenetic location: 9q22.31.
Variant type: single nucleotide variant.
Coding change: c.3592G>A on transcript NM_006648.4 (MANE Select); coding-DNA position 3592, G replaced by A.
Protein change: p.Gly1198Arg; replaces glycine 1198 with arginine.
Molecular consequence: missense variant.
Genome position (GRCh38, 1-based): chr9:93,263,929, G>A. VCF-style: chr9-93263929-G-A. GRCh37 (hg19) VCF-style: chr9-96026211-G-A.
Other names: c.3592G>A, p.Gly1198Arg (NM_001282394.3); short protein forms G1198R.
Identifiers: ClinVar variation 5031914 (VCV005031914.1).